The following is an entry in ClinVar:

ClinVar aggregate classification (germline): Pathogenic. Review status: criteria provided, single submitter (1 of 4 stars). 2 submissions from 1 submitter: Pathogenic (1). 1 of the submissions does not count toward it. Last evaluated 2016-01-01.

Conditions:
Lymphangiomyomatosis (LAM). Also called: Lymphangioleiomyomatosis, somatic; Lymphangioleiomyomatosis. Identifiers: Orphanet 538, MedGen C0751674, MONDO:0011705, OMIM 606690.
Hamartoma. Identifiers: MedGen C0018552, MONDO:0006499, HP:0010566.
Dental enamel pits. Identifiers: MedGen C1860711, HP:0009722.

Submissions (2):

Centre for Mendelian Genomics, University Medical Centre Ljubljana
Classification: Pathogenic for Lymphangiomyomatosis. Last evaluated: 2016-01-01. Review status: criteria provided, single submitter. Criteria: ACMG Guidelines, 2015. Collection method: clinical testing. Allele origin: unknown. Affected: yes.
Comment: This variant was classified as: Pathogenic.

Centre for Mendelian Genomics, University Medical Centre Ljubljana
Classification: Pathogenic for Dental enamel pits; Hamartoma. Last evaluated: 2016-02-01. Review status: no assertion criteria provided. Collection method: clinical testing. Allele origin: unknown. Affected: yes. Not counted in ClinVar's aggregate classification.

NM_000548.5(TSC2):c.5160+4A>C

Gene: TSC2 (TSC complex subunit 2; plus strand). Cytogenetic location: 16p13.3.
Variant type: single nucleotide variant.
Coding change: c.5160+4A>C on transcript NM_000548.5 (MANE Select); 4 bases into the intron after coding-DNA position 5160, A replaced by C.
Molecular consequence: intron variant.
Genome position (GRCh38, 1-based): chr16:2,088,143, A>C. VCF-style: chr16-2088143-A-C. GRCh37 (hg19) VCF-style: chr16-2138144-A-C.
Other names: c.5091+4A>C (NM_001114382.3); c.5031+4A>C (NM_021055.3, NM_001370405.1); c.4962+4A>C (NM_001363528.2); c.5028+4A>C (NM_001370404.1); c.4959+4A>C (NM_001077183.3); c.4851+4A>C (NM_001318827.2); c.4428+4A>C (NM_001318831.2); c.4815+4A>C (NM_001318829.2); and 1 more.
Identifiers: ClinVar variation 373972 (VCV000373972.4), dbSNP rs45517403, ClinGen allele CA16043502.